The following is an entry in ClinVar:

ClinVar aggregate classification (germline): Likely pathogenic (1 of 4 stars; one submission).

Conditions:
Combined oxidative phosphorylation defect type 17. Also called: Combined oxidative phosphorylation deficiency 17. Identifiers: Orphanet 369913, MedGen C3809526, MONDO:0014190, OMIM 615440.

Submission:

Labcorp Genetics (formerly Invitae), Labcorp
Classification: Likely pathogenic for Combined oxidative phosphorylation defect type 17. Last evaluated: 2025-04-08. Review status: criteria provided, single submitter. Criteria: Invitae Variant Classification Sherloc (09022015). Collection method: clinical testing. Allele origin: germline.
Comment: This sequence change affects an acceptor splice site in intron 11 of the ELAC2 gene. It is expected to disrupt RNA splicing. Variants that disrupt the donor or acceptor splice site typically lead to a loss of protein function (PMID: 16199547), and loss-of-function variants in ELAC2 are known to be pathogenic (PMID: 27769300, 31045291). This variant is not present in population databases (gnomAD no frequency). This variant has not been reported in the literature in individuals affected with ELAC2-related conditions. ClinVar contains an entry for this variant (Variation ID: 3023762). Algorithms developed to predict the effect of sequence changes on RNA splicing suggest that this variant may disrupt the consensus splice site. In summary, the currently available evidence indicates that the variant is pathogenic, but additional data are needed to prove that conclusively. Therefore, this variant has been classified as Likely Pathogenic.

Literature cited by the submitters: PubMed 16199547; PubMed 27769300; PubMed 31045291.

NM_018127.7(ELAC2):c.984-2A>G

Gene: ELAC2 (elaC ribonuclease Z 2; minus strand). Cytogenetic location: 17p12.
Variant type: single nucleotide variant.
Coding change: c.984-2A>G on transcript NM_018127.7 (MANE Select); the canonical splice acceptor site of the intron before coding-DNA position 984, A replaced by G.
Molecular consequence: splice acceptor variant.
Genome position (GRCh38, 1-based): chr17:13,003,576, T>C on the plus strand (A>G on the coding strand, the complement: ELAC2 is on the minus strand). VCF-style: chr17-13003576-T-C. GRCh37 (hg19) VCF-style: chr17-12906893-T-C.
Other names: c.864-2A>G (NM_001165962.2); c.984-2A>G (NM_173717.2).
Identifiers: ClinVar variation 3023762 (VCV003023762.3), dbSNP rs2040942337, ClinGen allele CA398226015.